The following is an entry in ClinVar:

NM_000179.3(MSH6):c.3752C>G (p.Ser1251Ter)

Gene: MSH6 (mutS homolog 6; plus strand). Cytogenetic location: 2p16.3.
Variant type: single nucleotide variant.
Coding change: c.3752C>G on transcript NM_000179.3 (MANE Select); coding-DNA position 3752, C replaced by G.
Protein change: p.Ser1251Ter; replaces serine 1251 with a stop codon.
Molecular consequence: nonsense. On other transcripts: non-coding transcript variant (5).
Genome position (GRCh38, 1-based): chr2:47,806,309, C>G. VCF-style: chr2-47806309-C-G. GRCh37 (hg19) VCF-style: chr2-48033448-C-G.
Other names: c.3362C>G, p.Ser1121Ter (NM_001281492.2); c.2846C>G, p.Ser949Ter (NM_001281493.2, NM_001281494.2, NM_001406811.1 and 6 more transcripts); c.3848C>G, p.Ser1283Ter (NM_001406795.1, NM_001406802.1); c.3752C>G, p.Ser1251Ter (NM_001406796.1, NM_001406800.1, NM_001406808.1 and 1 more transcripts); c.3455C>G, p.Ser1152Ter (NM_001406797.1, NM_001406801.1, NM_001406805.1 and 10 more transcripts); c.3578C>G, p.Ser1193Ter (NM_001406798.1); c.3227C>G, p.Ser1076Ter (NM_001406799.1, NM_001406806.1, NM_001406807.1); c.2888C>G, p.Ser963Ter (NM_001406803.1); and 7 more; short protein forms S1195*, S200*, S566*, S949*, S1121*, S1193*, S1225*, S1076*.
Identifiers: ClinVar variation 4736292 (VCV004736292.1).
Genomic context (GRCh38, chr2:47,806,309, plus strand): 5'-TTGTTAAAGAACTTGCTGAGACTATAAAATGTCGTACATTATTTTCAACTCACTACCATT[C>G]ATTAGTAGAAGATTATTCTCAAAATGTTGCTGTGCGCCTAGGACATATGGTATGTGCAAA-3'

ClinVar aggregate classification (germline): Pathogenic (1 of 4 stars; one submission).

Conditions:
Hereditary nonpolyposis colorectal neoplasms. Identifiers: MedGen C0009405, MeSH D003123.

Submission:

Labcorp Genetics (formerly Invitae), Labcorp
Classification: Pathogenic for Hereditary nonpolyposis colorectal neoplasms. Last evaluated: 2026-01-27. Review status: criteria provided, single submitter. Criteria: Invitae Variant Classification Sherloc (09022015). Collection method: clinical testing. Allele origin: germline.
Comment: This sequence change creates a premature translational stop signal (p.Ser1251*) in the MSH6 gene. It is expected to result in an absent or disrupted protein product. Loss-of-function variants in MSH6 are known to be pathogenic (PMID: 18269114, 24362816). This variant is not present in population databases (gnomAD no frequency). This variant has not been reported in the literature in individuals affected with MSH6-related conditions. For these reasons, this variant has been classified as Pathogenic.

Literature cited by the submitters: PubMed 18269114; PubMed 24362816.